The following is an entry in ClinVar:

NM_003073.5(SMARCB1):c.795+121G>A

Gene: SMARCB1 (SWI/SNF related BAF chromatin remodeling complex subunit B1; plus strand). Cytogenetic location: 22q11.23.
Variant type: single nucleotide variant.
Coding change: c.795+121G>A on transcript NM_003073.5 (MANE Select); 121 bases into the intron after coding-DNA position 795, G replaced by A.
Molecular consequence: intron variant.
Genome position (GRCh38, 1-based): chr22:23,817,057, G>A. VCF-style: chr22-23817057-G-A. GRCh37 (hg19) VCF-style: chr22-24159244-G-A.
Other names: c.849+121G>A (NM_001362877.2); c.822+121G>A (NM_001317946.2); c.768+121G>A (NM_001007468.3).
Identifiers: ClinVar variation 677099 (VCV000677099.2), dbSNP rs9612452, ClinGen allele CA14993579.
Genomic context (GRCh38, chr22:23,817,057, plus strand): 5'-GAGCACTGAGGGTACACCAAGGCCTCAGCAGAAGCCCGTCTTTGGGTTCCATATCATCTG[G>A]AAAGTCATAACACCTGGCTTTGCTCCCTGCAATCCCCCAGGAAGGGCATAGGCTGAGTTC-3'

ClinVar aggregate classification (germline): Benign. Review status: criteria provided, multiple submitters, no conflicts (2 of 4 stars). 2 submissions from 2 submitters: Benign (2). Last evaluated 2018-06-20.

Allele frequency attached by ClinVar (database versions not stated): TOPMed 0.11747; gnomAD 0.11986 and 0.12377; 1000 Genomes Project 30x 0.14397; 1000 Genomes Project 0.14677.
gnomAD v4.1: 102,234 of 791,700 alleles (13%); highest among the groups gnomAD compares: South Asian, 27%; 7,878 homozygotes.

Submissions (2):

GeneDx
Classification: Benign. Last evaluated: 2018-06-20. Review status: criteria provided, single submitter. Criteria: GeneDx Variant Classification (06012015). Collection method: clinical testing. Allele origin: germline. Affected: yes.
Comment: This variant is considered likely benign or benign based on one or more of the following criteria: it is a conservative change, it occurs at a poorly conserved position in the protein, it is predicted to be benign by multiple in silico algorithms, and/or has population frequency not consistent with disease.

Breakthrough Genomics
Classification: Benign. Review status: criteria provided, single submitter. Criteria: ACMG Guidelines, 2015. Collection method: not provided. Allele origin: germline. Inheritance: Autosomal dominant inheritance. Affected: yes.